The following is an entry in ClinVar:

ClinVar aggregate classification (germline): Uncertain significance (1 of 4 stars; one submission).

Conditions:
Familial adenomatous polyposis 1 (FAP1). Also called: FAMILIAL ADENOMATOUS POLYPOSIS 1, ATTENUATED; POLYPOSIS, ADENOMATOUS INTESTINAL. Identifiers: MedGen C2713442, MONDO:0021056, OMIM 175100. Disease mechanism: loss of function.

Submission:

Labcorp Genetics (formerly Invitae), Labcorp
Classification: Uncertain significance for Familial adenomatous polyposis 1. Last evaluated: 2023-11-25. Review status: criteria provided, single submitter. Criteria: Invitae Variant Classification Sherloc (09022015). Collection method: clinical testing. Allele origin: germline.
Comment: This variant occurs in a non-coding region of the APC gene. It does not change the encoded amino acid sequence of the APC protein. This variant is not present in population databases (gnomAD no frequency). This variant has not been reported in the literature in individuals affected with APC-related conditions. Experimental studies and prediction algorithms are not available or were not evaluated, and the functional significance of this variant is currently unknown. In summary, the available evidence is currently insufficient to determine the role of this variant in disease. Therefore, it has been classified as a Variant of Uncertain Significance.

NC_000005.10:g.112707469G>T

Gene: APC (APC regulator of Wnt signaling pathway; plus strand). Cytogenetic location: 5q22.2.
Variant type: single nucleotide variant.
Genome position: GRCh38 VCF-style: chr5-112707469-G-T. GRCh37 (hg19) VCF-style: chr5-112043166-G-T.
Identifiers: ClinVar variation 2698826 (VCV002698826.3), dbSNP rs1257302588, ClinGen allele CA2674863458.
Genomic context (GRCh38, chr5:112,707,469, plus strand): 5'-GGCAAGCGGAGCGCAGCACCCATTGCGCCTGCGCATAACAGGCTCTAGTCTCCGGGCTGT[G>T]GGAAGCCAGCAACACCTCTCACGCATGCGCATTGTAGTCTTCCCACCTCCCACAAGATGG-3'